The following is an entry in ClinVar:

ClinVar aggregate classification (germline): Uncertain significance (1 of 4 stars; one submission).

gnomAD v4.1: 16 of 1,612,010 alleles (0.00099%); highest among the groups gnomAD compares: Middle Eastern, 0.016%; no homozygotes.

Submission:

Labcorp Genetics (formerly Invitae), Labcorp
Classification: Uncertain significance. Last evaluated: 2024-03-16. Review status: criteria provided, single submitter. Criteria: Invitae Variant Classification Sherloc (09022015). Collection method: clinical testing. Allele origin: germline.
Comment: This sequence change replaces alanine, which is neutral and non-polar, with threonine, which is neutral and polar, at codon 374 of the DEAF1 protein (p.Ala374Thr). The frequency data for this variant in the population databases is considered unreliable, as metrics indicate poor data quality at this position in the gnomAD database. This variant has not been reported in the literature in individuals affected with DEAF1-related conditions. Advanced modeling of protein sequence and biophysical properties (such as structural, functional, and spatial information, amino acid conservation, physicochemical variation, residue mobility, and thermodynamic stability) performed at Invitae indicates that this missense variant is not expected to disrupt DEAF1 protein function with a negative predictive value of 95%. In summary, the available evidence is currently insufficient to determine the role of this variant in disease. Therefore, it has been classified as a Variant of Uncertain Significance.

NM_021008.4(DEAF1):c.1120G>A (p.Ala374Thr)

Gene: DEAF1 (DEAF1 transcription factor; minus strand). Cytogenetic location: 11p15.5.
Variant type: single nucleotide variant.
Coding change: c.1120G>A on transcript NM_021008.4 (MANE Select); coding-DNA position 1120, G replaced by A.
Protein change: p.Ala374Thr; replaces alanine 374 with threonine.
Molecular consequence: missense variant.
Genome position (GRCh38, 1-based): chr11:679,694, C>T on the plus strand (G>A on the coding strand, the complement: DEAF1 is on the minus strand). VCF-style: chr11-679694-C-T. GRCh37 (hg19) VCF-style: chr11-679694-C-T.
Other names: c.853G>A, p.Ala285Thr (NM_001293634.2); c.394G>A, p.Ala132Thr (NM_001367390.1); short protein forms A132T, A285T, A374T.
Identifiers: ClinVar variation 3678003 (VCV003678003.2).